The following is an entry in ClinVar:

NM_024740.2(ALG9):c.282C>T (p.Leu94=)

Gene: ALG9 (ALG9 alpha-1,2-mannosyltransferase; minus strand). Cytogenetic location: 11q23.1.
Variant type: single nucleotide variant.
Coding change: c.282C>T on transcript NM_024740.2 (MANE Select); coding-DNA position 282, C replaced by T.
Protein change: p.Leu94=; no amino-acid change (leucine 94 retained).
Molecular consequence: synonymous variant. On other transcripts: 5 prime UTR variant (15), non-coding transcript variant (1).
Genome position (GRCh38, 1-based): chr11:111,868,725, G>A on the plus strand (C>T on the coding strand, the complement: ALG9 is on the minus strand). VCF-style: chr11-111868725-G-A. GRCh37 (hg19) VCF-style: chr11-111739448-G-A.
Other names: c.282C>T, p.Leu94= (NM_001077690.1, NM_001352417.1, NM_001352418.1 and 4 more transcripts); c.-232C>T (NM_001077691.2, NM_001077692.2, NM_001352409.1 and 11 more transcripts); c.-450C>T (NM_001352422.2).
Identifiers: ClinVar variation 4981022 (VCV004981022.1).

ClinVar aggregate classification (germline): Likely benign (1 of 4 stars; one submission).

Conditions:
ALG9-related disorder. Also called: ALG9-related condition.

gnomAD v4.1: 280 of 1,610,728 alleles (0.017%); highest among the groups gnomAD compares: Non-Finnish European, 0.022%; no homozygotes.

Submission:

PreventionGenetics, part of Exact Sciences
Classification: Likely benign for ALG9-related condition. Last evaluated: 2025-04-28. Review status: criteria provided, single submitter. Criteria: ACMG Guidelines, 2015. Collection method: clinical testing. Allele origin: germline.
Comment: This variant is classified as likely benign based on ACMG/AMP sequence variant interpretation guidelines (Richards et al. 2015 PMID: 25741868, with internal and published modifications).